The following is an entry in ClinVar:

ClinVar aggregate classification (germline): Likely benign (1 of 4 stars; one submission).

Allele frequency attached by ClinVar (database versions not stated): 1000 Genomes Project 0.00040; 1000 Genomes Project 30x 0.00047; ExAC 0.00319; gnomAD 0.00458; TOPMed 0.00473; ESP Exome Variant Server 0.00635; gnomAD exomes 0.00785.
gnomAD v4.1: 11,647 of 1,551,674 alleles (0.75%); highest among the groups gnomAD compares: Non-Finnish European, 0.92%; 69 homozygotes.

Submission:

CeGaT Center for Human Genetics Tuebingen
Classification: Likely benign. Last evaluated: 2023-04-01. Review status: criteria provided, single submitter. Criteria: CeGaT Center For Human Genetics Tuebingen Variant Classification Criteria Version 2. Collection method: clinical testing. Allele origin: germline. Affected: yes. Observed: 2 variant alleles.
Comment: C16orf96: BP4, BS2

NM_001145011.2(C16orf96):c.115A>G (p.Met39Val)

Gene: C16orf96 (chromosome 16 open reading frame 96; plus strand). Cytogenetic location: 16p13.3.
Variant type: single nucleotide variant.
Coding change: c.115A>G on transcript NM_001145011.2 (MANE Select); coding-DNA position 115, A replaced by G.
Protein change: p.Met39Val; replaces methionine 39 with valine.
Molecular consequence: missense variant.
Genome position (GRCh38, 1-based): chr16:4,556,604, A>G. VCF-style: chr16-4556604-A-G. GRCh37 (hg19) VCF-style: chr16-4606605-A-G.
Other names: c.115A>G, p.Met39Val (NM_001387219.1); short protein forms M39V.
Identifiers: ClinVar variation 2646150 (VCV002646150.24), dbSNP rs199511761, ClinGen allele CA7877157.
Genomic context (GRCh38, chr16:4,556,604, plus strand): 5'-GGGGTGCTGAACTTCAAGGCCCTGCACCTCCTGCTGCACGGCATCTTGGAGCACATCCAC[A>G]TGGCCGAGCTCAAGAAAGTCCTCTCAGGCGATGAGGACTTCCTGCAGACCTCGCAGGTGG-3'
Protein context (NP_001138483.1, residues 29-49): LLHGILEHIH[Met39Val]AELKKVLSGD